The following is an entry in ClinVar:

NM_001354604.2(MITF):c.900G>A (p.Glu300=)

Gene: MITF (melanocyte inducing transcription factor; plus strand). Cytogenetic location: 3p13.
Variant type: single nucleotide variant.
Coding change: c.900G>A on transcript NM_001354604.2 (MANE Select); coding-DNA position 900, G replaced by A.
Protein change: p.Glu300=; no amino-acid change (glutamic acid 300 retained).
Molecular consequence: synonymous variant.
Genome position (GRCh38, 1-based): chr3:69,951,831, G>A. VCF-style: chr3-69951831-G-A. GRCh37 (hg19) VCF-style: chr3-70000982-G-A.
Other names: c.579G>A, p.Glu193= (NM_000248.4); c.726G>A, p.Glu242= (NM_001184967.2, NM_001354608.2); c.897G>A, p.Glu299= (NM_001354605.2); c.879G>A, p.Glu293= (NM_001354606.2, NM_006722.3); c.831G>A, p.Glu277= (NM_001354607.2); c.561G>A, p.Glu187= (NM_198158.3); c.882G>A, p.Glu294= (NM_198159.3); c.834G>A, p.Glu278= (NM_198177.3); and 1 more.
Identifiers: ClinVar variation 2075588 (VCV002075588.10), dbSNP rs969065380, ClinGen allele CA77002071.

ClinVar aggregate classification (germline): Likely benign. Review status: criteria provided, multiple submitters, no conflicts (2 of 4 stars). 4 submissions from 4 submitters: Likely benign (4). Last evaluated 2026-02-03.

Conditions:
Melanoma, cutaneous malignant, susceptibility to, 8. Also called: MELANOMA AND RENAL CELL CARCINOMA, SUSCEPTIBILITY TO; Cutaneous malignant melanoma 8. Identifiers: Orphanet 293822, MedGen C3152204, MONDO:0013759, OMIM 614456.
Tietz syndrome (TADS). Also called: ALBINISM-DEAFNESS OF TIETZ; HYPOPIGMENTATION/DEAFNESS OF TIETZ; TIETZ ALBINISM-DEAFNESS SYNDROME. Identifiers: Orphanet 42665, MedGen C0391816, MONDO:0007077, OMIM 103500.
Waardenburg syndrome type 2A (WS2A). Also called: WAARDENBURG SYNDROME WITHOUT DYSTOPIA CANTHORUM. Identifiers: Orphanet 3440, MedGen C1860339, MONDO:0008671, OMIM 193510.
Hereditary cancer-predisposing syndrome. Also called: Tumor predisposition; Hereditary Cancer Syndrome; Hereditary neoplastic syndrome; Neoplastic Syndromes, Hereditary. Identifiers: Orphanet 140162, MedGen C0027672, MeSH D009386, MONDO:0015356.

Allele frequency attached by ClinVar (database versions not stated): gnomAD 0.00001; gnomAD exomes 0.00001; TOPMed 0.00003.
gnomAD v4.1: 18 of 1,613,426 alleles (0.0011%); highest among the groups gnomAD compares: Non-Finnish European, 0.0014%; no homozygotes.

Submissions (4):

Labcorp Genetics (formerly Invitae), Labcorp
Classification: Likely benign for Melanoma, cutaneous malignant, susceptibility to, 8; Waardenburg syndrome type 2A; Tietz syndrome. Last evaluated: 2026-02-03. Review status: criteria provided, single submitter. Criteria: Invitae Variant Classification Sherloc (09022015). Collection method: clinical testing. Allele origin: germline.

CeGaT Center for Human Genetics Tuebingen
Classification: Likely benign. Last evaluated: 2026-01-01. Review status: criteria provided, single submitter. Criteria: CeGaT Center For Human Genetics Tuebingen Variant Classification Criteria Version 2. Collection method: clinical testing. Allele origin: germline. Affected: yes. Observed: 1 variant allele.
Comment: MITF: BP4, BP7

Ambry Genetics
Classification: Likely benign for Hereditary cancer-predisposing syndrome. Last evaluated: 2025-01-31. Review status: criteria provided, single submitter. Criteria: Ambry Variant Classification Scheme 2023. Collection method: clinical testing. Allele origin: germline.

Blueprint Genetics
Classification: Likely benign. Last evaluated: 2023-07-28. Review status: criteria provided, single submitter. Criteria: ACMG Guidelines, 2015. Collection method: clinical testing. Allele origin: germline.